The following is an entry in ClinVar:

ClinVar aggregate classification (germline): Uncertain significance (1 of 4 stars; one submission).

Allele frequency attached by ClinVar (database versions not stated): TOPMed below 0.00001; gnomAD 0.00001.

Submission:

Labcorp Genetics (formerly Invitae), Labcorp
Classification: Uncertain significance. Last evaluated: 2021-11-04. Review status: criteria provided, single submitter. Criteria: Invitae Variant Classification Sherloc (09022015). Collection method: clinical testing. Allele origin: germline.
Comment: In summary, the available evidence is currently insufficient to determine the role of this variant in disease. Therefore, it has been classified as a Variant of Uncertain Significance. Algorithms developed to predict the effect of sequence changes on RNA splicing suggest that this variant may create or strengthen a splice site. This variant has not been reported in the literature in individuals affected with HMX1-related conditions. This variant is present in population databases (no rsID available, gnomAD 0.007%). This sequence change creates a premature translational stop signal (p.Arg63*) in the HMX1 gene. It is expected to result in an absent or disrupted protein product. However, the current clinical and genetic evidence is not sufficient to establish whether loss-of-function variants in HMX1 cause disease.

NM_018942.3(HMX1):c.187C>T (p.Arg63Ter)

Gene: HMX1 (H6 family homeobox 1; minus strand). Cytogenetic location: 4p16.1.
Variant type: single nucleotide variant.
Coding change: c.187C>T on transcript NM_018942.3 (MANE Select); coding-DNA position 187, C replaced by T.
Protein change: p.Arg63Ter; replaces arginine 63 with a stop codon.
Molecular consequence: nonsense.
Genome position (GRCh38, 1-based): chr4:8,871,428, G>A on the plus strand (C>T on the coding strand, the complement: HMX1 is on the minus strand). VCF-style: chr4-8871428-G-A. GRCh37 (hg19) VCF-style: chr4-8873154-G-A.
Other names: c.187C>T, p.Arg63Ter (NM_001306142.2); short protein forms R63*.
Identifiers: ClinVar variation 1517824 (VCV001517824.5), dbSNP rs1304325672, ClinGen allele CA356279147.